The following is an entry in ClinVar:

NM_004656.4(BAP1):c.1805A>G (p.Glu602Gly)

Gene: BAP1 (BRCA1 associated deubiquitinase 1; minus strand). Cytogenetic location: 3p21.1.
Variant type: single nucleotide variant.
Coding change: c.1805A>G on transcript NM_004656.4 (MANE Select); coding-DNA position 1805, A replaced by G.
Protein change: p.Glu602Gly; replaces glutamic acid 602 with glycine.
Molecular consequence: missense variant.
Genome position (GRCh38, 1-based): chr3:52,403,223, T>C on the plus strand (A>G on the coding strand, the complement: BAP1 is on the minus strand). VCF-style: chr3-52403223-T-C. GRCh37 (hg19) VCF-style: chr3-52437239-T-C.
Other names: c.1805A>G (NM_004656.2); short protein forms E602G.
Identifiers: ClinVar variation 1513064 (VCV001513064.10), dbSNP rs144993791, ClinGen allele CA353098693.

ClinVar aggregate classification (germline): Uncertain significance. Review status: criteria provided, multiple submitters, no conflicts (2 of 4 stars). 2 submissions from 2 submitters: Uncertain significance (2). Last evaluated 2023-08-11.

Conditions:
Hereditary cancer-predisposing syndrome. Also called: Tumor predisposition; Neoplastic Syndromes, Hereditary; Hereditary neoplastic syndrome; Hereditary Cancer Syndrome. Identifiers: Orphanet 140162, MedGen C0027672, MeSH D009386, MONDO:0015356.
BAP1-related tumor predisposition syndrome (TPDS1). Also called: COMMON Syndrome; TUMOR PREDISPOSITION SYNDROME 1; Tumor susceptibility linked to germline BAP1 mutations; BAP1 tumor predisposition syndrome. Identifiers: Orphanet 289539, MedGen C3280492, MONDO:0013692, OMIM 614327.

Submissions (2):

Ambry Genetics
Classification: Uncertain significance for Hereditary cancer-predisposing syndrome. Last evaluated: 2023-08-11. Review status: criteria provided, single submitter. Criteria: Ambry Variant Classification Scheme 2023. Collection method: clinical testing. Allele origin: germline.
Comment: The p.E602G variant (also known as c.1805A>G), located in coding exon 14 of the BAP1 gene, results from an A to G substitution at nucleotide position 1805. The glutamic acid at codon 602 is replaced by glycine, an amino acid with similar properties. This amino acid position is conserved. In addition, this alteration is predicted to be tolerated by in silico analysis. Since supporting evidence is limited at this time, the clinical significance of this alteration remains unclear.

Labcorp Genetics (formerly Invitae), Labcorp
Classification: Uncertain significance for BAP1-related tumor predisposition syndrome. Last evaluated: 2021-07-26. Review status: criteria provided, single submitter. Criteria: Invitae Variant Classification Sherloc (09022015). Collection method: clinical testing. Allele origin: germline.
Comment: In summary, the available evidence is currently insufficient to determine the role of this variant in disease. Therefore, it has been classified as a Variant of Uncertain Significance. Algorithms developed to predict the effect of missense changes on protein structure and function are either unavailable or do not agree on the potential impact of this missense change (SIFT: "Deleterious"; PolyPhen-2: "Benign"; Align-GVGD: "Class C0"). This variant has not been reported in the literature in individuals affected with BAP1-related conditions. This variant is not present in population databases (ExAC no frequency). This sequence change replaces glutamic acid with glycine at codon 602 of the BAP1 protein (p.Glu602Gly). The glutamic acid residue is highly conserved and there is a moderate physicochemical difference between glutamic acid and glycine.